The following is an entry in ClinVar:

ClinVar aggregate classification (germline): Uncertain significance (1 of 4 stars; one submission).

gnomAD v4.1: 8 of 1,613,770 alleles (0.0005%); highest among the groups gnomAD compares: Admixed American, 0.0017%; no homozygotes.

Submission:

Labcorp Genetics (formerly Invitae), Labcorp
Classification: Uncertain significance. Last evaluated: 2025-10-29. Review status: criteria provided, single submitter. Criteria: Invitae Variant Classification Sherloc (09022015). Collection method: clinical testing. Allele origin: germline.
Comment: This sequence change replaces tyrosine, which is neutral and polar, with cysteine, which is neutral and slightly polar, at codon 268 of the ITGAM protein (p.Tyr268Cys). This variant is present in population databases (rs776945214, gnomAD 0.003%). This variant has not been reported in the literature in individuals affected with ITGAM-related conditions. An algorithm developed to predict the effect of missense changes on protein structure and function (PolyPhen-2) suggests that this variant is likely to be disruptive. In summary, the available evidence is currently insufficient to determine the role of this variant in disease. Therefore, it has been classified as a Variant of Uncertain Significance.

NM_000632.4(ITGAM):c.803A>G (p.Tyr268Cys)

Genes: ITGAM (integrin subunit alpha M; plus strand), LOC126862332 (BRD4-independent group 4 enhancer GRCh37_chr16:31284654-31285853; plus strand). Cytogenetic location: 16p11.2.
Variant type: single nucleotide variant.
Coding change: c.803A>G on transcript NM_000632.4 (MANE Select); coding-DNA position 803, A replaced by G.
Protein change: p.Tyr268Cys; replaces tyrosine 268 with cysteine.
Molecular consequence: missense variant.
Genome position (GRCh38, 1-based): chr16:31,273,463, A>G. VCF-style: chr16-31273463-A-G. GRCh37 (hg19) VCF-style: chr16-31284784-A-G.
Other names: c.803A>G, p.Tyr268Cys (NM_001145808.2); short protein forms Y268C.
Identifiers: ClinVar variation 4761529 (VCV004761529.1).